The following is an entry in ClinVar:

ClinVar aggregate classification (germline): Likely benign. Review status: criteria provided, multiple submitters, no conflicts (2 of 4 stars). 3 submissions from 3 submitters: Likely benign (3). Last evaluated 2025-02-01.

Allele frequency attached by ClinVar (database versions not stated): gnomAD 0.00106 and 0.00100; ExAC 0.00215; 1000 Genomes Project 0.00040; 1000 Genomes Project 30x 0.00047; TOPMed 0.00069; gnomAD exomes 0.00072 and 0.00104; ESP Exome Variant Server 0.00080.
gnomAD v4.1: 1,156 of 1,537,836 alleles (0.075%); highest among the groups gnomAD compares: Non-Finnish European, 0.074%; 3 homozygotes.

Submissions (3):

CeGaT Center for Human Genetics Tuebingen
Classification: Likely benign. Last evaluated: 2025-02-01. Review status: criteria provided, single submitter. Criteria: CeGaT Center For Human Genetics Tuebingen Variant Classification Criteria Version 2. Collection method: clinical testing. Allele origin: germline. Affected: yes. Observed: 1 variant allele.
Comment: HOXC13: BS2

Labcorp Genetics (formerly Invitae), Labcorp
Classification: Likely benign. Last evaluated: 2024-12-11. Review status: criteria provided, single submitter. Criteria: Invitae Variant Classification Sherloc (09022015). Collection method: clinical testing. Allele origin: germline.

Breakthrough Genomics
Classification: Likely benign. Review status: criteria provided, single submitter. Criteria: ACMG Guidelines, 2015. Collection method: not provided. Allele origin: germline. Inheritance: Autosomal recessive inheritance. Affected: yes.

NM_017410.3(HOXC13):c.61G>A (p.Asp21Asn)

Genes: HOXC13-AS (HOXC13 antisense RNA; minus strand), HOXC13 (homeobox C13; plus strand). Cytogenetic location: 12q13.13.
Variant type: single nucleotide variant.
Coding change: c.61G>A on transcript NM_017410.3 (MANE Select); coding-DNA position 61, G replaced by A.
Protein change: p.Asp21Asn; replaces aspartic acid 21 with asparagine.
Molecular consequence: missense variant.
Genome position (GRCh38, 1-based): chr12:53,938,967, G>A. VCF-style: chr12-53938967-G-A. GRCh37 (hg19) VCF-style: chr12-54332751-G-A.
Other names: short protein forms D21N.
Identifiers: ClinVar variation 1665359 (VCV001665359.22), dbSNP rs202210130, ClinGen allele CA6603750.